The following is an entry in ClinVar:

ClinVar aggregate classification (germline): Conflicting classifications of pathogenicity. Review status: criteria provided, conflicting classifications (1 of 4 stars). 3 submissions from 3 submitters: Uncertain significance (2); Likely benign (1). Last evaluated 2024-05-06.

Conditions:
Autosomal recessive limb-girdle muscular dystrophy type 2J (LGMDR10). Also called: MUSCULAR DYSTROPHY, LIMB-GIRDLE, AUTOSOMAL RECESSIVE 10; Limb-girdle muscular dystrophy, type 2J. Identifiers: Orphanet 140922, MedGen C1837342, MONDO:0012127, OMIM 608807.
Dilated cardiomyopathy 1G (CMD1G). Identifiers: Orphanet 154, MedGen C1858763, MONDO:0011400, OMIM 604145.
Myopathy, myofibrillar, 9, with early respiratory failure (MFM9). Also called: Myopathy, distal, with early respiratory failure, autosomal dominant; Hereditary myopathy with early respiratory failure; EDSTROM MYOPATHY; MYOPATHY, PROXIMAL, WITH EARLY RESPIRATORY MUSCLE INVOLVEMENT. Identifiers: Orphanet 178464, Orphanet 34521, MedGen C1863599, MONDO:0011362, OMIM 603689.
Tibial muscular dystrophy (TMD). Also called: UDD MYOPATHY; Tibial muscular dystrophy, tardive; Udd Distal Myopathy – Tibial Muscular Dystrophy. Identifiers: Orphanet 609, MedGen C1838244, MONDO:0010870, OMIM 600334.
Early-onset myopathy with fatal cardiomyopathy (CMYO5). Also called: Salih Myopathy; CONGENITAL MYOPATHY 5 WITH CARDIOMYOPATHY. Identifiers: Orphanet 289377, MedGen C2673677, MONDO:0012714, OMIM 611705. Disease mechanism: loss of function.
Hypertrophic cardiomyopathy 9. Also called: Familial hypertrophic cardiomyopathy 9. Identifiers: MedGen C1861065, MONDO:0013412, OMIM 613765.

Allele frequency attached by ClinVar (database versions not stated): ExAC 0.00002; TOPMed 0.00002; gnomAD 0.00003; 1000 Genomes Project 30x 0.00016; 1000 Genomes Project 0.00020; gnomAD exomes 0.00001.
gnomAD v4.1: 4 of 1,612,950 alleles (0.00025%); highest among the groups gnomAD compares: African/African-American, 0.0053%; no homozygotes.

Submissions (3):

Fulgent Genetics
Classification: Uncertain significance for Tibial muscular dystrophy; Myopathy, myofibrillar, 9, with early respiratory failure; Dilated cardiomyopathy 1G; Autosomal recessive limb-girdle muscular dystrophy type 2J; Early-onset myopathy with fatal cardiomyopathy; Hypertrophic cardiomyopathy 9. Last evaluated: 2024-05-06. Review status: criteria provided, single submitter. Criteria: ACMG Guidelines, 2015. Collection method: clinical testing. Allele origin: germline.

GeneDx
Classification: Likely benign. Last evaluated: 2018-05-03. Review status: criteria provided, single submitter. Criteria: GeneDx Variant Classification (06012015). Collection method: clinical testing. Allele origin: germline. Affected: yes.
Comment: This variant is considered likely benign or benign based on one or more of the following criteria: it is a conservative change, it occurs at a poorly conserved position in the protein, it is predicted to be benign by multiple in silico algorithms, and/or has population frequency not consistent with disease.

Labcorp Genetics (formerly Invitae), Labcorp
Classification: Uncertain significance for Dilated cardiomyopathy 1G; Autosomal recessive limb-girdle muscular dystrophy type 2J. Last evaluated: 2016-04-10. Review status: criteria provided, single submitter. Criteria: Invitae Variant Classification Sherloc (09022015). Collection method: clinical testing. Allele origin: germline.

NM_001267550.2(TTN):c.71879T>C (p.Ile23960Thr)

Genes: TTN (titin; minus strand), TTN-AS1 (TTN antisense RNA 1; plus strand). Cytogenetic location: 2q31.2.
Variant type: single nucleotide variant.
Coding change: c.71879T>C on transcript NM_001267550.2 (MANE Select); coding-DNA position 71879, T replaced by C.
Protein change: p.Ile23960Thr; replaces isoleucine 23960 with threonine.
Molecular consequence: missense variant.
Genome position (GRCh38, 1-based): chr2:178,574,253, A>G on the plus strand (T>C on the coding strand, the complement: TTN is on the minus strand). VCF-style: chr2-178574253-A-G. GRCh37 (hg19) VCF-style: chr2-179438980-A-G.
Other names: c.66956T>C, p.Ile22319Thr (NM_001256850.1); c.44684T>C, p.Ile14895Thr (NM_003319.4); c.64175T>C, p.Ile21392Thr (NM_133378.4); c.45059T>C, p.Ile15020Thr (NM_133432.3); c.45260T>C, p.Ile15087Thr (NM_133437.4); short protein forms I23960T, I14895T, I15087T, I21392T, I22319T, I15020T.
Identifiers: ClinVar variation 404701 (VCV000404701.5), dbSNP rs568223521, ClinGen allele CA1990576.